The following is an entry in ClinVar:

ClinVar aggregate classification (germline): Uncertain significance (1 of 4 stars; one submission).

Conditions:
Familial hemophagocytic lymphohistiocytosis 2 (FHL2). Also called: PRF1-Related Familial Hemophagocytic Lymphohistiocytosis (PRF1-fHLH). Identifiers: Orphanet 540, MedGen C1863727, MONDO:0011337, OMIM 603553.

Submission:

Dasa
Classification: Uncertain significance for Familial hemophagocytic lymphohistiocytosis 2. Last evaluated: 2026-04-01. Review status: criteria provided, single submitter. Criteria: DASA Assertion Criteria. Collection method: clinical testing. Allele origin: germline.
Comment: NM_001083116.3(PRF1):c.1300G>T (p.Ala434Ser) is a missense variant that results in the substitution of alanine with serine. This variant is rare in population databases. Computational prediction algorithms are consistent with a benign effect. The currently available literature and clinical evidence are not sufficient to establish a definitive association between this variant and the reported condition. Therefore, this variant is classified as a variant of uncertain significance.

NM_001083116.3(PRF1):c.1300G>T (p.Ala434Ser)

Gene: PRF1 (perforin 1; minus strand). Cytogenetic location: 10q22.1.
Variant type: single nucleotide variant.
Coding change: c.1300G>T on transcript NM_001083116.3 (MANE Select); coding-DNA position 1300, G replaced by T.
Protein change: p.Ala434Ser; replaces alanine 434 with serine.
Molecular consequence: missense variant.
Genome position (GRCh38, 1-based): chr10:70,598,421, C>A on the plus strand (G>T on the coding strand, the complement: PRF1 is on the minus strand). VCF-style: chr10-70598421-C-A. GRCh37 (hg19) VCF-style: chr10-72358177-C-A.
Other names: c.1300G>T, p.Ala434Ser (NM_005041.6); short protein forms A434S.
Identifiers: ClinVar variation 4882502 (VCV004882502.2).